The following is an entry in ClinVar:

NM_000069.3(CACNA1S):c.897C>G (p.Tyr299Ter)

Gene: CACNA1S (calcium voltage-gated channel subunit alpha1 S; minus strand). Cytogenetic location: 1q32.1.
Variant type: single nucleotide variant.
Coding change: c.897C>G on transcript NM_000069.3 (MANE Select); coding-DNA position 897, C replaced by G.
Protein change: p.Tyr299Ter; replaces tyrosine 299 with a stop codon.
Molecular consequence: nonsense.
Genome position (GRCh38, 1-based): chr1:201,089,261, G>C on the plus strand (C>G on the coding strand, the complement: CACNA1S is on the minus strand). VCF-style: chr1-201089261-G-C. GRCh37 (hg19) VCF-style: chr1-201058389-G-C.
Other names: short protein forms Y299*.
Identifiers: ClinVar variation 649853 (VCV000649853.7), dbSNP rs1572059904, ClinGen allele CA344134163.
Genomic context (GRCh38, chr1:201,089,261, plus strand): 5'-CCCTTGCAAGCCTGTGGATGAAGGGAGATGGTTCTGCAGGCGCGGGCCCAGACCCACCCA[G>C]TAAAGGACGTCAGTCCATCCCTCCATGGTAATGCACTGGTACACGGTGAGCATGGAGAAG-3'

ClinVar aggregate classification (germline): Pathogenic (1 of 4 stars; one submission).

Conditions:
Hypokalemic periodic paralysis, type 1. Also called: Hypokalemic Periodic Paralysis Type 1 (AD); HypoPP. Identifiers: Orphanet 681, MedGen C3714580, MONDO:0042979, OMIM 170400.
Malignant hyperthermia, susceptibility to, 5 (MHS5). Also called: CACNA1S-Related Malignant Hyperthermia Susceptibility. Identifiers: Orphanet 423, MedGen C1866077, MONDO:0011163, OMIM 601887.

Allele frequency attached by ClinVar (database versions not stated): gnomAD exomes below 0.00001.
gnomAD v4.1: 4 of 1,614,186 alleles (0.00025%); highest among the groups gnomAD compares: Non-Finnish European, 0.00034%; no homozygotes.

Submission:

Labcorp Genetics (formerly Invitae), Labcorp
Classification: Pathogenic for Hypokalemic periodic paralysis, type 1; Malignant hyperthermia, susceptibility to, 5. Last evaluated: 2025-03-13. Review status: criteria provided, single submitter. Criteria: Invitae Variant Classification Sherloc (09022015). Collection method: clinical testing. Allele origin: germline.
Comment: This sequence change creates a premature translational stop signal (p.Tyr299*) in the CACNA1S gene. It is expected to result in an absent or disrupted protein product. Loss-of-function variants in CACNA1S are known to be pathogenic (PMID: 26247046, 28012042). This variant is not present in population databases (gnomAD no frequency). This variant has not been reported in the literature in individuals affected with CACNA1S-related conditions. ClinVar contains an entry for this variant (Variation ID: 649853). Algorithms developed to predict the effect of sequence changes on RNA splicing suggest that this variant may disrupt the consensus splice site. For these reasons, this variant has been classified as Pathogenic.

Literature cited by the submitters: PubMed 26247046; PubMed 28012042.